The following is an entry in ClinVar:

ClinVar aggregate classification (germline): Uncertain significance (1 of 4 stars; one submission).

Conditions:
Symmetrical dyschromatosis of extremities (DSH). Also called: DYSCHROMATOSIS SYMMETRICA HEREDITARIA 1; RETICULATE ACROPIGMENTATION OF DOHI; SYMMETRIC DYSCHROMATOSIS OF THE EXTREMITIES; Dyschromatosis symmetrica hereditaria. Identifiers: Orphanet 41, MedGen C0406775, MONDO:0007483, OMIM 127400.
Aicardi-Goutieres syndrome 6 (AGS6). Identifiers: Orphanet 51, MedGen C3539013, MONDO:0014007, OMIM 615010.

Submission:

Labcorp Genetics (formerly Invitae), Labcorp
Classification: Uncertain significance for Aicardi-Goutieres syndrome 6; Symmetrical dyschromatosis of extremities. Last evaluated: 2023-06-20. Review status: criteria provided, single submitter. Criteria: Invitae Variant Classification Sherloc (09022015). Collection method: clinical testing. Allele origin: germline.
Comment: In summary, the available evidence is currently insufficient to determine the role of this variant in disease. Therefore, it has been classified as a Variant of Uncertain Significance. This sequence change falls in intron 11 of the ADAR gene. It does not directly change the encoded amino acid sequence of the ADAR protein. This variant is not present in population databases (gnomAD no frequency). This variant has not been reported in the literature in individuals affected with ADAR-related conditions. Algorithms developed to predict the effect of sequence changes on RNA splicing suggest that this variant may disrupt the consensus splice site.

NM_001111.5(ADAR):c.3020-10T>G

Gene: ADAR (adenosine deaminase RNA specific; minus strand). Cytogenetic location: 1q21.3.
Variant type: single nucleotide variant.
Coding change: c.3020-10T>G on transcript NM_001111.5 (MANE Select); 10 bases into the intron before coding-DNA position 3020, T replaced by G.
Molecular consequence: intron variant.
Genome position (GRCh38, 1-based): chr1:154,586,373, A>C on the plus strand (T>G on the coding strand, the complement: ADAR is on the minus strand). VCF-style: chr1-154586373-A-C. GRCh37 (hg19) VCF-style: chr1-154558849-A-C.
Other names: c.2135-10T>G (NM_001365046.1, NM_001025107.3, NM_001365048.1 and 2 more transcripts); c.3047-10T>G (NM_001365045.1); c.2057-10T>G (NM_001365049.1); c.2885-10T>G (NM_015841.4); c.2942-10T>G (NM_015840.4).
Identifiers: ClinVar variation 2942635 (VCV002942635.3), dbSNP rs2526466826, ClinGen allele CA2740090382.